The following is an entry in ClinVar:

NM_002474.3(MYH11):c.4299T>C (p.Val1433=)

Genes: NDE1 (nudE neurodevelopment protein 1; plus strand), MYH11 (myosin heavy chain 11; minus strand). Cytogenetic location: 16p13.11.
Variant type: single nucleotide variant.
Coding change: c.4299T>C on transcript NM_002474.3 (MANE Select); coding-DNA position 4299, T replaced by C.
Protein change: p.Val1433=; no amino-acid change (valine 1433 retained).
Molecular consequence: synonymous variant.
Genome position (GRCh38, 1-based): chr16:15,724,227, A>G on the plus strand (T>C on the coding strand, the complement: MYH11 is on the minus strand). VCF-style: chr16-15724227-A-G. GRCh37 (hg19) VCF-style: chr16-15818084-A-G.
Other names: c.4320T>C, p.Val1440= (NM_001040113.2, NM_001040114.2); c.4299T>C, p.Val1433= (NM_022844.3); c.984A>G, p.Thr328= (NM_001143979.2, NM_017668.3).
Identifiers: ClinVar variation 922116 (VCV000922116.6), dbSNP rs2040630480, ClinGen allele CA493758576.

ClinVar aggregate classification (germline): Likely benign. Review status: criteria provided, multiple submitters, no conflicts (2 of 4 stars). 4 submissions from 4 submitters: Likely benign (4). Last evaluated 2023-08-15.

Conditions:
Familial thoracic aortic aneurysm and aortic dissection (TAAD). Also called: Thoracic aortic aneurysms and dissections. Identifiers: Orphanet 91387, MedGen C4707243, MONDO:0019625.

Allele frequency attached by ClinVar (database versions not stated): gnomAD exomes below 0.00001; gnomAD 0.00001.
gnomAD v4.1: 6 of 1,614,038 alleles (0.00037%); highest among the groups gnomAD compares: Non-Finnish European, 0.00051%; no homozygotes.

Submissions (4):

All of Us Research Program, National Institutes of Health
Classification: Likely benign for Familial thoracic aortic aneurysm and aortic dissection. Last evaluated: 2023-08-15. Review status: criteria provided, single submitter. Criteria: ACMG Guidelines, 2015. Collection method: clinical testing. Allele origin: germline. Inheritance: Autosomal dominant inheritance. Observed: 1 variant allele, 1 heterozygote.
Comment: This study involves interpretation of variants in research participants for the purpose of population health screening. Participant phenotype was not available at the time of variant classification. Additional details can be found in publication PMID: 35346344, PMCID: PMC8962531

Ambry Genetics
Classification: Likely benign for Familial thoracic aortic aneurysm and aortic dissection. Last evaluated: 2021-08-10. Review status: criteria provided, single submitter. Criteria: Ambry Variant Classification Scheme 2023. Collection method: clinical testing. Allele origin: germline.

Women's Health and Genetics/Laboratory Corporation of America, LabCorp
Classification: Likely benign. Last evaluated: 2021-02-01. Review status: criteria provided, single submitter. Criteria: LabCorp Variant Classification Summary - May 2015. Collection method: clinical testing. Allele origin: germline.

Color Diagnostics, LLC DBA Color Health
Classification: Likely benign for Familial thoracic aortic aneurysm and aortic dissection. Last evaluated: 2020-03-03. Review status: criteria provided, single submitter. Criteria: ACMG Guidelines, 2015. Collection method: clinical testing. Allele origin: germline.